The following is an entry in ClinVar:

NM_002691.4(POLD1):c.1159_1160del (p.Ile387fs)

Gene: POLD1 (DNA polymerase delta 1, catalytic subunit; plus strand). Cytogenetic location: 19q13.33.
Variant type: Deletion.
Coding change: c.1159_1160del on transcript NM_002691.4 (MANE Select); coding-DNA positions 1159 to 1160, 2 bases deleted (AT; older notation c.1159_1160delAT).
Protein change: p.Ile387fs; shifts the reading frame from isoleucine 387.
Molecular consequence: frameshift variant. On other transcripts: non-coding transcript variant (1).
Genome position (GRCh38, 1-based): chr19:50,403,514-50,403,515, AT deleted; deleting any 2 consecutive bases within chr19:50,403,513-50,403,515 gives the same sequence; the c. name uses the placement nearest the transcript's 3' end. VCF-style (leftmost placement, unchanged base first): chr19-50403512-GTA-G. GRCh37 (hg19) VCF-style: chr19-50906769-GTA-G.
Other names: c.1159_1160del, p.Ile387fs (NM_001256849.1, NM_001308632.1); short protein forms I387fs.
Identifiers: ClinVar variation 1464900 (VCV001464900.6), dbSNP rs2122277701, ClinGen allele CA2573156577.

ClinVar aggregate classification (germline): Uncertain significance (1 of 4 stars; one submission).

Conditions:
POLD1-related polyposis and colorectal cancer syndrome (CRCS10). Also called: Colorectal cancer 10; COLORECTAL CANCER, SUSCEPTIBILITY TO, ON CHROMOSOME 19q; Colorectal cancer, susceptibility to, 10. Identifiers: Orphanet 220460, MedGen C2675481, MONDO:0012953, OMIM 612591.

Submission:

Labcorp Genetics (formerly Invitae), Labcorp
Classification: Uncertain significance for POLD1-related polyposis and colorectal cancer syndrome. Last evaluated: 2021-09-10. Review status: criteria provided, single submitter. Criteria: Invitae Variant Classification Sherloc (09022015). Collection method: clinical testing. Allele origin: germline.
Comment: This sequence change creates a premature translational stop signal (p.Ile387Hisfs*247) in the POLD1 gene. Missense variants that disrupt the 3'-5' exonuclease (proof-reading) activity of the POLD1 protein are associated with an increased risk for colonic adenomatous polyps and colon cancer (PMID: 23263490, 23447401). However, loss-of-function variants that result in an absent or severely disrupted POLD1 protein, and missense variants outside the exonuclease domain, are unlikely to be associated with polyposis or colon cancer. This variant is not present in population databases (ExAC no frequency). This variant has not been reported in the literature in individuals affected with POLD1-related conditions. In summary, the available evidence is currently insufficient to determine the role of this variant in disease. Therefore, it has been classified as a Variant of Uncertain Significance.

Literature cited by the submitters: PubMed 23263490; PubMed 23447401.